The following is an entry in ClinVar:

NM_170707.4(LMNA):c.799T>C (p.Tyr267His)

Gene: LMNA (lamin A/C; plus strand). Cytogenetic location: 1q22.
Variant type: single nucleotide variant.
Coding change: c.799T>C on transcript NM_170707.4 (MANE Select); coding-DNA position 799, T replaced by C.
Protein change: p.Tyr267His; replaces tyrosine 267 with histidine.
Molecular consequence: missense variant.
Genome position (GRCh38, 1-based): chr1:156,134,964, T>C. VCF-style: chr1-156134964-T-C. GRCh37 (hg19) VCF-style: chr1-156104755-T-C.
Other names: p.Y267H:TAT>CAT; c.463T>C, p.Tyr155His (NM_001257374.3); c.556T>C, p.Tyr186His (NM_001282624.2); c.799T>C, p.Tyr267His (NM_001282625.2, NM_001282626.2, NM_005572.4 and 1 more transcripts); short protein forms Y267H, Y186H, Y155H.
Identifiers: ClinVar variation 48084 (VCV000048084.14), dbSNP rs267607593, ClinGen allele CA018657.

ClinVar aggregate classification (germline): Pathogenic/Likely pathogenic. Review status: criteria provided, multiple submitters, no conflicts (2 of 4 stars). 5 submissions from 5 submitters: Pathogenic (3); Likely pathogenic (1). 1 of the submissions does not count toward it. Last evaluated 2023-04-22.

Conditions:
Cardiovascular phenotype. Identifiers: MedGen CN230736.
Charcot-Marie-Tooth disease type 2. Also called: Charcot-Marie-Tooth type 2. Identifiers: Orphanet 64746, MedGen C0270914, MONDO:0018993.
Primary dilated cardiomyopathy (DCM). Also called: Dilated Cardiomyopathy. Identifiers: Orphanet 217604, MedGen C0007193, MeSH D002311, MONDO:0005021, HP:0001644. Inheritance: Various modes of inheritance.

Submissions (5):

Labcorp Genetics (formerly Invitae), Labcorp
Classification: Pathogenic for Charcot-Marie-Tooth disease type 2. Last evaluated: 2023-04-22. Review status: criteria provided, single submitter. Criteria: Invitae Variant Classification Sherloc (09022015). Collection method: clinical testing. Allele origin: germline.
Comment: This variant disrupts the p.Tyr267 amino acid residue in LMNA. Other variant(s) that disrupt this residue have been observed in individuals with LMNA-related conditions (PMID: 14684700, 18926329), which suggests that this may be a clinically significant amino acid residue. Advanced modeling of protein sequence and biophysical properties (such as structural, functional, and spatial information, amino acid conservation, physicochemical variation, residue mobility, and thermodynamic stability) performed at Invitae indicates that this missense variant is expected to disrupt LMNA protein function. ClinVar contains an entry for this variant (Variation ID: 48084). This missense change has been observed in individual(s) with autosomal dominant Emery-Dreifuss muscular dystrophy, cardiac conduction disease and/or dilated cardiomyopathy (PMID: 18337098, 22464770, 22806367, 27532257, 29693488). It has also been observed to segregate with disease in related individuals. This variant is not present in population databases (gnomAD no frequency). This sequence change replaces tyrosine, which is neutral and polar, with histidine, which is basic and polar, at codon 267 of the LMNA protein (p.Tyr267His). For these reasons, this variant has been classified as Pathogenic.

Ambry Genetics
Classification: Likely pathogenic for Cardiovascular phenotype. Last evaluated: 2017-02-24. Review status: criteria provided, single submitter. Criteria: Ambry Variant Classification Scheme 2023. Collection method: clinical testing. Allele origin: germline.
Comment: The p.Y267H variant (also known as c.799T>C), located in coding exon 4 of the LMNA gene, results from a T to C substitution at nucleotide position 799. The tyrosine at codon 267 is replaced by histidine, an amino acid with some similar properties. This alteration was shown to segregate with disease in a family with rhythm abnormalities and muscle involvement (Carboni N et al. Neuromuscul. Disord., 2008 Apr;18:291-8). This alteration has also been identified in dilated cardiomyopathy (DCM) cohorts (Lakdawala NK et al. J. Card. Fail., 2012 Apr;18:296-303; Pugh TJ et al. Genet. Med., 2014 Aug;16:601-8). This amino acid position is highly conserved in available vertebrate species. In addition, this alteration is predicted to be deleterious by in silico analysis. Based on the majority of available evidence to date, this variant is likely to be pathogenic.

GeneDx
Classification: Pathogenic. Last evaluated: 2015-08-19. Review status: criteria provided, single submitter. Criteria: GeneDx Variant Classification (06012015). Collection method: clinical testing. Allele origin: germline. Affected: yes.
Comment: p.Tyr267His (Y267H) TAT>CAT: c.799 T>C in exon 4 of the LMNA gene (NM_170707.2). The Y267H mutation in the LMNA gene has been reported in association with cardiac conduction disease and DCM (Carboni N et al., 2008; Lakdawala N et al., 2012). Y267H was not observed in approximately 6,500 individuals of European and African American ancestry in the NHLBI Exome Sequencing Project, indicating it is not a common benign variant in these populations. Mutations in this residue (Y267C) and in nearby residues (L263P, S268P) have been reported in association with laminopathy, further supporting the functional importance of this position and this region of the protein. The variant is found in DCM panel(s).

Laboratory for Molecular Medicine, Mass General Brigham Personalized Medicine
Classification: Pathogenic for Primary dilated cardiomyopathy. Last evaluated: 2010-11-15. Review status: criteria provided, single submitter. Criteria: LMM Criteria. Collection method: clinical testing. Allele origin: germline. Observed: 1 variant allele.
Comment: The Tyr267His variant has been previously reported in one individual with atrio- ventricular block as well as 5 family members with DCM +/- conduction system def ects (Carboni 2008). The variant was absent from 200 control chromosomes, sugges ting that the variant is disease causing. In addition, tyrosine (Tyr) at positi on 267 is conserved across evolutionary distant species, further supporting a pa thogenic role. In summary, this variant meets our criteria for pathogenicity based upon segregation studies, absence from contro ls and evolutionary conservation of the affected amino acid.

Epithelial Biology;  Institute of Medical Biology, Singapore
No classification provided. Review status: no classification provided. Collection method: not provided. Allele origin: not provided. Not counted in ClinVar's aggregate classification.

Literature cited by the submitters: PubMed 14684700 (cited by Labcorp Genetics (formerly Invitae), Labcorp and Laboratory for Molecular Medicine, Mass General Brigham Personalized Medicine); PubMed 18926329 (cited by Labcorp Genetics (formerly Invitae), Labcorp); PubMed 18337098 (cited by 3 submitters); PubMed 22464770 (cited by Labcorp Genetics (formerly Invitae), Labcorp and Ambry Genetics); PubMed 22806367 (cited by Labcorp Genetics (formerly Invitae), Labcorp); PubMed 27532257 (cited by Labcorp Genetics (formerly Invitae), Labcorp); PubMed 29693488 (cited by Labcorp Genetics (formerly Invitae), Labcorp); PubMed 24503780 (cited by Ambry Genetics).